The following is an entry in ClinVar:

ClinVar aggregate classification (germline): Likely benign (1 of 4 stars; one submission).

Allele frequency attached by ClinVar (database versions not stated): ExAC 0.00003; gnomAD 0.00005; TOPMed 0.00005.
gnomAD v4.1: 83 of 1,544,314 alleles (0.0054%); highest among the groups gnomAD compares: African/African-American, 0.0084%; no homozygotes.

Submission:

CeGaT Center for Human Genetics Tuebingen
Classification: Likely benign. Last evaluated: 2023-01-01. Review status: criteria provided, single submitter. Criteria: CeGaT Center For Human Genetics Tuebingen Variant Classification Criteria Version 2. Collection method: clinical testing. Allele origin: germline. Affected: yes. Observed: 1 variant allele.
Comment: DSCAM: BP4, BP7

NM_001389.5(DSCAM):c.663G>A (p.Ala221=)

Gene: DSCAM (DS cell adhesion molecule; minus strand). Cytogenetic location: 21q22.2.
Variant type: single nucleotide variant.
Coding change: c.663G>A on transcript NM_001389.5 (MANE Select); coding-DNA position 663, G replaced by A.
Protein change: p.Ala221=; no amino-acid change (alanine 221 retained).
Molecular consequence: synonymous variant. On other transcripts: non-coding transcript variant (1).
Genome position (GRCh38, 1-based): chr21:40,353,736, C>T on the plus strand (G>A on the coding strand, the complement: DSCAM is on the minus strand). VCF-style: chr21-40353736-C-T. GRCh37 (hg19) VCF-style: chr21-41725663-C-T.
Other names: c.663G>A, p.Ala221= (NM_001271534.3, NM_206887.1).
Identifiers: ClinVar variation 2652676 (VCV002652676.24), dbSNP rs767731476, ClinGen allele CA10031672.